The following is an entry in ClinVar:

ClinVar aggregate classification (germline): Uncertain significance (1 of 4 stars; one submission).

Conditions:
PCNT-related disorder. Also called: PCNT-related condition.

gnomAD v4.1: 56 of 1,614,084 alleles (0.0035%); highest among the groups gnomAD compares: East Asian, 0.062%; no homozygotes.

Submission:

PreventionGenetics, part of Exact Sciences
Classification: Uncertain significance for PCNT-related condition. Last evaluated: 2026-08-05. Review status: criteria provided, single submitter. Criteria: ACMG Guidelines, 2015. Collection method: clinical testing. Allele origin: germline.
Comment: The PCNT c.7058C>T variant is predicted to result in the amino acid substitution p.Pro2353Leu. To our knowledge, this variant has not been reported in the literature. This variant is reported in 0.054% of alleles in individuals of East Asian descent in gnomAD. Although we suspect that this variant may be benign, at this time, the clinical significance of this variant is uncertain due to the absence of conclusive functional and genetic evidence.

NM_006031.6(PCNT):c.7058C>T (p.Pro2353Leu)

Gene: PCNT (pericentrin; plus strand). Cytogenetic location: 21q22.3.
Variant type: single nucleotide variant.
Coding change: c.7058C>T on transcript NM_006031.6 (MANE Select); coding-DNA position 7058, C replaced by T.
Protein change: p.Pro2353Leu; replaces proline 2353 with leucine.
Molecular consequence: missense variant.
Genome position (GRCh38, 1-based): chr21:46,422,003, C>T. VCF-style: chr21-46422003-C-T. GRCh37 (hg19) VCF-style: chr21-47841917-C-T.
Other names: c.6704C>T, p.Pro2235Leu (NM_001315529.2); short protein forms P2235L, P2353L.
Identifiers: ClinVar variation 4978193 (VCV004978193.1).